The following is an entry in ClinVar:

NM_004586.3(RPS6KA3):c.914G>A (p.Arg305Gln)

Gene: RPS6KA3 (ribosomal protein S6 kinase A3; minus strand). Cytogenetic location: Xp22.12.
Variant type: single nucleotide variant.
Coding change: c.914G>A on transcript NM_004586.3 (MANE Select); coding-DNA position 914, G replaced by A.
Protein change: p.Arg305Gln; replaces arginine 305 with glutamine.
Molecular consequence: missense variant.
Genome position (GRCh38, 1-based): chrX:20,177,016, C>T on the plus strand (G>A on the coding strand, the complement: RPS6KA3 is on the minus strand). VCF-style: chrX-20177016-C-T. GRCh37 (hg19) VCF-style: chrX-20195134-C-T.
Other names: short protein forms R305Q.
Identifiers: ClinVar variation 3343900 (VCV003343900.4).

ClinVar aggregate classification (germline): Conflicting classifications of pathogenicity. Review status: criteria provided, conflicting classifications (1 of 4 stars). 3 submissions from 3 submitters: Likely pathogenic (1); Uncertain significance (2). Last evaluated 2025-12-15.

Conditions:
Coffin-Lowry syndrome (CLS). Also called: COFFIN-LOWRY SYNDROME, MILD; Mental retardation with osteocartilaginous abnormalities. Identifiers: Orphanet 192, MedGen C0265252, MONDO:0010561, OMIM 303600.
Intellectual developmental disorder, X-linked 19. Also called: Intellectual disability, X-linked 19. Identifiers: Orphanet 777, MedGen C0796225, MONDO:0010447, OMIM 300844.
RPS6KA3-related disorder. Also called: RPS6KA3-related condition.

gnomAD v4.1: 1 of 1,204,586 alleles (0.000083%); highest among the groups gnomAD compares: Non-Finnish European, 0.00011%; no homozygotes.

Submissions (3):

PreventionGenetics, part of Exact Sciences
Classification: Uncertain significance for RPS6KA3-related condition. Last evaluated: 2025-12-15. Review status: criteria provided, single submitter. Criteria: ACMG Guidelines, 2015. Collection method: clinical testing. Allele origin: germline.
Comment: The RPS6KA3 c.914G>A variant is predicted to result in the amino acid substitution p.Arg305Gln. To our knowledge, this variant has not been reported in the literature or in a large population database (gnomAD), indicating this variant is rare. At this time, the clinical significance of this variant is uncertain due to the absence of conclusive functional and genetic evidence.

Labcorp Genetics (formerly Invitae), Labcorp
Classification: Uncertain significance for Coffin-Lowry syndrome; Intellectual developmental disorder, X-linked 19. Last evaluated: 2025-10-19. Review status: criteria provided, single submitter. Criteria: Invitae Variant Classification Sherloc (09022015). Collection method: clinical testing. Allele origin: germline.
Comment: This sequence change replaces arginine, which is basic and polar, with glutamine, which is neutral and polar, at codon 305 of the RPS6KA3 protein (p.Arg305Gln). This variant is not present in population databases (gnomAD no frequency). This variant has not been reported in the literature in individuals affected with RPS6KA3-related conditions. ClinVar contains an entry for this variant (Variation ID: 3343900). Invitae Evidence Modeling of protein sequence and biophysical properties (such as structural, functional, and spatial information, amino acid conservation, physicochemical variation, residue mobility, and thermodynamic stability) indicates that this missense variant is expected to disrupt RPS6KA3 protein function with a positive predictive value of 95%. In summary, the available evidence is currently insufficient to determine the role of this variant in disease. Therefore, it has been classified as a Variant of Uncertain Significance.

GeneDx
Classification: Likely pathogenic. Last evaluated: 2025-03-31. Review status: criteria provided, single submitter. Criteria: GeneDx Variant Classification Process June 2021. Collection method: clinical testing. Allele origin: germline.
Comment: In silico analysis supports that this missense variant has a deleterious effect on protein structure/function; Not observed at significant frequency in large population cohorts (gnomAD); Has not been previously published as pathogenic or benign to our knowledge